The following is an entry in ClinVar:

NM_000038.6(APC):c.4132C>T (p.Gln1378Ter)

Gene: APC (APC regulator of Wnt signaling pathway; plus strand). Cytogenetic location: 5q22.2.
Variant type: single nucleotide variant.
Coding change: c.4132C>T on transcript NM_000038.6 (MANE Select); coding-DNA position 4132, C replaced by T.
Protein change: p.Gln1378Ter; replaces glutamine 1378 with a stop codon.
Molecular consequence: nonsense.
Genome position (GRCh38, 1-based): chr5:112,839,726, C>T. VCF-style: chr5-112839726-C-T. GRCh37 (hg19) VCF-style: chr5-112175423-C-T.
Other names: c.4132C>T, p.Gln1378Ter (NM_001127510.3, NM_001354895.2); c.4078C>T, p.Gln1360Ter (NM_001127511.3); c.4186C>T, p.Gln1396Ter (NM_001354896.2); c.4162C>T, p.Gln1388Ter (NM_001354897.2); c.4057C>T, p.Gln1353Ter (NM_001354898.2); c.4048C>T, p.Gln1350Ter (NM_001354899.2); c.4009C>T, p.Gln1337Ter (NM_001354900.2); c.3955C>T, p.Gln1319Ter (NM_001354901.2); and 5 more; short protein forms Q1360*, Q1378*, Q1277*, Q1287*, Q1396*, Q1095*, Q1337*, Q1350*.
Identifiers: ClinVar variation 376061 (VCV000376061.8), dbSNP rs121913329, ClinGen allele CA16030382.

ClinVar aggregate classification (germline): Pathogenic. Review status: criteria provided, multiple submitters, no conflicts (2 of 4 stars). 3 submissions from 3 submitters: Pathogenic (3). Last evaluated 2023-05-10.
ClinVar aggregate classification (oncogenicity): Oncogenic (1 of 4 stars; one submission).

Conditions:
Hereditary cancer-predisposing syndrome. Also called: Hereditary neoplastic syndrome; Neoplastic Syndromes, Hereditary; Hereditary Cancer Syndrome; Tumor predisposition. Identifiers: Orphanet 140162, MedGen C0027672, MeSH D009386, MONDO:0015356.
Colorectal cancer. Also called: Malignant Colorectal Neoplasm; Colorectal cancer, somatic. Identifiers: MedGen C0346629, MONDO:0005575, OMIM 114500.
Familial adenomatous polyposis 1 (FAP1). Also called: FAMILIAL ADENOMATOUS POLYPOSIS 1, ATTENUATED; POLYPOSIS, ADENOMATOUS INTESTINAL. Identifiers: MedGen C2713442, MONDO:0021056, OMIM 175100. Disease mechanism: loss of function.
Neoplasm. Also called: tumor; Neoplasms; Neoplasm (disease). Identifiers: MedGen C0027651, MeSH D009369, MONDO:0005070, HP:0002664.

Submissions (4):

Center for Genomic Medicine, Rigshospitalet, Copenhagen University Hospital
Classification: Oncogenic for Neoplasm. Last evaluated: 2026-10-16. Review status: criteria provided, single submitter. Criteria: ClinGen/CGC/VICC Guidelines for Oncogenicity, 2022. Collection method: clinical testing. Allele origin: somatic. Affected: yes.

Myriad Genetics, Inc.
Classification: Pathogenic for Familial adenomatous polyposis 1. Last evaluated: 2023-05-10. Review status: criteria provided, single submitter. Criteria: Myriad Autosomal Dominant, Autosomal Recessive and X-Linked Classification Criteria (2023). Collection method: clinical testing. Allele origin: unknown.
Comment: This variant is considered pathogenic. This variant creates a termination codon and is predicted to result in premature protein truncation.

Clinical Laboratory Sciences Program (CLSP), King Saud bin Abdulaziz University for Health Sciences (KSAU-HS)
Classification: Pathogenic for Colorectal cancer. Last evaluated: 2023-01-01. Review status: criteria provided, single submitter. Criteria: ACMG Guidelines, 2015. Collection method: clinical testing. Allele origin: germline. Affected: yes.
Comment: PVS1, PP5, PM2

Ambry Genetics
Classification: Pathogenic for Hereditary cancer-predisposing syndrome. Last evaluated: 2019-05-30. Review status: criteria provided, single submitter. Criteria: Ambry Variant Classification Scheme 2023. Collection method: clinical testing. Allele origin: germline.
Comment: The p.Q1378* pathogenic mutation (also known as c.4132C>T), located in coding exon 15 of the APC gene, results from a C to T substitution at nucleotide position 4132. This changes the amino acid from a glutamine to a stop codon within coding exon 15. This alteration is expected to result in loss of function by premature protein truncation or nonsense-mediated mRNA decay. As such, this alteration is interpreted as a disease-causing mutation.